The following is an entry in ClinVar:

NM_006012.4(CLPP):c.384G>A (p.Ala128=)

Gene: CLPP (caseinolytic mitochondrial matrix peptidase proteolytic subunit; plus strand). Cytogenetic location: 19p13.3.
Variant type: single nucleotide variant.
Coding change: c.384G>A on transcript NM_006012.4 (MANE Select); coding-DNA position 384, G replaced by A.
Protein change: p.Ala128=; no amino-acid change (alanine 128 retained).
Molecular consequence: synonymous variant.
Genome position (GRCh38, 1-based): chr19:6,364,468, G>A. VCF-style: chr19-6364468-G-A. GRCh37 (hg19) VCF-style: chr19-6364479-G-A.
Other names: c.384G>A (NM_006012.2).
Identifiers: ClinVar variation 1444985 (VCV001444985.9), dbSNP rs376053962, ClinGen allele CA9122911.

ClinVar aggregate classification (germline): Likely benign. Review status: criteria provided, multiple submitters, no conflicts (2 of 4 stars). 2 submissions from 2 submitters: Likely benign (2). Last evaluated 2026-05-11.

Conditions:
CLPP-related disorder. Also called: CLPP-related condition.

Allele frequency attached by ClinVar (database versions not stated): ESP Exome Variant Server 0.00008.
gnomAD v4.1: 105 of 1,608,682 alleles (0.0065%); highest among the groups gnomAD compares: Middle Eastern, 0.021%; no homozygotes.

Submissions (2):

PreventionGenetics, part of Exact Sciences
Classification: Likely benign for CLPP-related condition. Last evaluated: 2026-05-11. Review status: criteria provided, single submitter. Criteria: ACMG Guidelines, 2015. Collection method: clinical testing. Allele origin: germline.
Comment: This variant is classified as likely benign based on ACMG/AMP sequence variant interpretation guidelines (Richards et al. 2015 PMID: 25741868, with internal and published modifications).

Labcorp Genetics (formerly Invitae), Labcorp
Classification: Likely benign. Last evaluated: 2024-10-22. Review status: criteria provided, single submitter. Criteria: Invitae Variant Classification Sherloc (09022015). Collection method: clinical testing. Allele origin: germline.